The following is an entry in ClinVar:

NM_002396.5(ME2):c.844+8A>C

Gene: ME2 (malic enzyme 2; plus strand). Cytogenetic location: 18q21.2.
Variant type: single nucleotide variant.
Coding change: c.844+8A>C on transcript NM_002396.5 (MANE Select); 8 bases into the intron after coding-DNA position 844, A replaced by C.
Molecular consequence: intron variant.
Genome position (GRCh38, 1-based): chr18:50,920,573, A>C. VCF-style: chr18-50920573-A-C. GRCh37 (hg19) VCF-style: chr18-48446943-A-C.
Other names: c.844+8A>C (NM_001168335.2).
Identifiers: ClinVar variation 3033318 (VCV003033318.2), dbSNP rs147910635, ClinGen allele CA8965172.

ClinVar aggregate classification (germline): Benign (0 of 4 stars; one submission).

Conditions:
ME2-related disorder. Also called: ME2-related condition.

Allele frequency attached by ClinVar (database versions not stated): ExAC 0.00312; ESP Exome Variant Server 0.01000; 1000 Genomes Project 0.01018; gnomAD 0.01027; TOPMed 0.01167; 1000 Genomes Project 30x 0.01202.
gnomAD v4.1: 2,918 of 1,574,270 alleles (0.19%); highest among the groups gnomAD compares: African/African-American, 3.6%; 63 homozygotes.

Submission:

PreventionGenetics, part of Exact Sciences
Classification: Benign for ME2-related condition. Last evaluated: 2019-02-22. Review status: no assertion criteria provided. Collection method: clinical testing. Allele origin: germline.
Comment: This variant is classified as benign based on ACMG/AMP sequence variant interpretation guidelines (Richards et al. 2015 PMID: 25741868, with internal and published modifications).